The following is an entry in ClinVar:

ClinVar aggregate classification (germline): Uncertain significance. Review status: criteria provided, multiple submitters, no conflicts (2 of 4 stars). 2 submissions from 2 submitters: Uncertain significance (2). Last evaluated 2025-01-18.

Conditions:
Inborn genetic diseases. Identifiers: MedGen C0950123, MeSH D030342.
Gamma-aminobutyric acid transaminase deficiency (GABATD). Also called: GABA aminotransaminase deficiency; GABA transaminase deficiency; Gamma aminobutyrate transaminase deficiency; 4 alpha aminobutyrate transaminase deficiency. Identifiers: Orphanet 2066, MedGen C0342708, MONDO:0013166, OMIM 613163.

Allele frequency attached by ClinVar (database versions not stated): gnomAD 0.00001; TOPMed 0.00003.
gnomAD v4.1: 2 of 1,614,064 alleles (0.00012%); highest among the groups gnomAD compares: Admixed American, 0.0033%; no homozygotes.

Submissions (2):

Ambry Genetics
Classification: Uncertain significance for Inborn genetic diseases. Last evaluated: 2025-01-18. Review status: criteria provided, single submitter. Criteria: Ambry Variant Classification Scheme 2023. Collection method: clinical testing. Allele origin: germline.

Labcorp Genetics (formerly Invitae), Labcorp
Classification: Uncertain significance for Gamma-aminobutyric acid transaminase deficiency. Last evaluated: 2022-06-27. Review status: criteria provided, single submitter. Criteria: Invitae Variant Classification Sherloc (09022015). Collection method: clinical testing. Allele origin: germline.
Comment: This sequence change replaces glutamic acid, which is acidic and polar, with aspartic acid, which is acidic and polar, at codon 261 of the ABAT protein (p.Glu261Asp). This variant is not present in population databases (gnomAD no frequency). This variant has not been reported in the literature in individuals affected with ABAT-related conditions. Algorithms developed to predict the effect of missense changes on protein structure and function output the following: SIFT: "Tolerated"; PolyPhen-2: "Benign"; Align-GVGD: "Class C0". The aspartic acid amino acid residue is found in multiple mammalian species, which suggests that this missense change does not adversely affect protein function. In summary, the available evidence is currently insufficient to determine the role of this variant in disease. Therefore, it has been classified as a Variant of Uncertain Significance.

NM_020686.6(ABAT):c.783G>C (p.Glu261Asp)

Gene: ABAT (4-aminobutyrate aminotransferase; plus strand). Cytogenetic location: 16p13.2.
Variant type: single nucleotide variant.
Coding change: c.783G>C on transcript NM_020686.6 (MANE Select); coding-DNA position 783, G replaced by C.
Protein change: p.Glu261Asp; replaces glutamic acid 261 with aspartic acid.
Molecular consequence: missense variant.
Genome position (GRCh38, 1-based): chr16:8,768,940, G>C. VCF-style: chr16-8768940-G-C. GRCh37 (hg19) VCF-style: chr16-8862797-G-C.
Other names: c.783G>C, p.Glu261Asp (NM_000663.5, NM_001127448.2, NM_001386600.1 and 7 more transcripts); c.648G>C, p.Glu216Asp (NM_001386610.1, NM_001386611.1); c.720G>C, p.Glu240Asp (NM_001386606.1, NM_001386607.1); c.690G>C, p.Glu230Asp (NM_001386608.1); c.585G>C, p.Glu195Asp (NM_001386612.1, NM_001386613.1); c.537G>C, p.Glu179Asp (NM_001386614.1); c.879G>C, p.Glu293Asp (NM_001386615.1); c.783G>C (NM_020686.5); short protein forms E216D, E230D, E293D, E179D, E261D, E195D, E240D.
Identifiers: ClinVar variation 1436326 (VCV001436326.6), dbSNP rs777951918, ClinGen allele CA394689102.